The following is an entry in ClinVar:

NM_181712.5(KANK4):c.2741C>T (p.Ala914Val)

Gene: KANK4 (KN motif and ankyrin repeat domains 4; minus strand). Cytogenetic location: 1p31.3.
Variant type: single nucleotide variant.
Coding change: c.2741C>T on transcript NM_181712.5 (MANE Select); coding-DNA position 2741, C replaced by T.
Protein change: p.Ala914Val; replaces alanine 914 with valine.
Molecular consequence: missense variant.
Genome position (GRCh38, 1-based): chr1:62,247,614, G>A on the plus strand (C>T on the coding strand, the complement: KANK4 is on the minus strand). VCF-style: chr1-62247614-G-A. GRCh37 (hg19) VCF-style: chr1-62713286-G-A.
Other names: c.857C>T, p.Ala286Val (NM_001320269.2); short protein forms A286V, A914V.
Identifiers: ClinVar variation 3023394 (VCV003023394.3), dbSNP rs762022520, ClinGen allele CA883988.

ClinVar aggregate classification (germline): Uncertain significance (1 of 4 stars; one submission).

gnomAD v4.1: 28 of 1,613,910 alleles (0.0017%); highest among the groups gnomAD compares: Admixed American, 0.033%; no homozygotes.

Submission:

Labcorp Genetics (formerly Invitae), Labcorp
Classification: Uncertain significance. Last evaluated: 2022-12-28. Review status: criteria provided, single submitter. Criteria: Invitae Variant Classification Sherloc (09022015). Collection method: clinical testing. Allele origin: germline.
Comment: In summary, the available evidence is currently insufficient to determine the role of this variant in disease. Therefore, it has been classified as a Variant of Uncertain Significance. Algorithms developed to predict the effect of missense changes on protein structure and function are either unavailable or do not agree on the potential impact of this missense change (SIFT: "Tolerated"; PolyPhen-2: "Probably Damaging"; Align-GVGD: "Class C0"). This variant has not been reported in the literature in individuals affected with KANK4-related conditions. This variant is present in population databases (rs762022520, gnomAD 0.04%). This sequence change replaces alanine, which is neutral and non-polar, with valine, which is neutral and non-polar, at codon 914 of the KANK4 protein (p.Ala914Val).